The following is an entry in ClinVar:

ClinVar aggregate classification (germline): Conflicting classifications of pathogenicity. Review status: criteria provided, conflicting classifications (1 of 4 stars). 2 submissions from 2 submitters: Uncertain significance (1); Likely benign (1). Last evaluated 2025-06-09.

Conditions:
Hereditary cancer-predisposing syndrome. Also called: Hereditary Cancer Syndrome; Hereditary neoplastic syndrome; Neoplastic Syndromes, Hereditary; Tumor predisposition. Identifiers: Orphanet 140162, MedGen C0027672, MeSH D009386, MONDO:0015356.
Rhabdoid tumor predisposition syndrome 2 (RTPS2). Identifiers: Orphanet 231108, Orphanet 69077, MedGen C2750074, MONDO:0013224, OMIM 613325.

Submissions (2):

Labcorp Genetics (formerly Invitae), Labcorp
Classification: Uncertain significance for Rhabdoid tumor predisposition syndrome 2. Last evaluated: 2025-06-09. Review status: criteria provided, single submitter. Criteria: Invitae Variant Classification Sherloc (09022015). Collection method: clinical testing. Allele origin: germline.
Comment: This sequence change replaces asparagine, which is neutral and polar, with aspartic acid, which is acidic and polar, at codon 1555 of the SMARCA4 protein (p.Asn1555Asp). This variant is not present in population databases (gnomAD no frequency). This variant has not been reported in the literature in individuals affected with SMARCA4-related conditions. ClinVar contains an entry for this variant (Variation ID: 1742267). Invitae Evidence Modeling of protein sequence and biophysical properties (such as structural, functional, and spatial information, amino acid conservation, physicochemical variation, residue mobility, and thermodynamic stability) indicates that this missense variant is not expected to disrupt SMARCA4 protein function with a negative predictive value of 95%. In summary, the available evidence is currently insufficient to determine the role of this variant in disease. Therefore, it has been classified as a Variant of Uncertain Significance.

Ambry Genetics
Classification: Likely benign for Hereditary cancer-predisposing syndrome. Last evaluated: 2024-05-30. Review status: criteria provided, single submitter. Criteria: Ambry Variant Classification Scheme 2023. Collection method: clinical testing. Allele origin: germline.

NM_003072.5(SMARCA4):c.4567A>G (p.Asn1523Asp)

Gene: SMARCA4 (SWI/SNF related BAF chromatin remodeling complex subunit ATPase 4; plus strand). Cytogenetic location: 19p13.2.
Variant type: single nucleotide variant.
Coding change: c.4567A>G on transcript NM_003072.5 (MANE Select); coding-DNA position 4567, A replaced by G.
Protein change: p.Asn1523Asp; replaces asparagine 1523 with aspartic acid.
Molecular consequence: missense variant. On other transcripts: non-coding transcript variant (1).
Genome position (GRCh38, 1-based): chr19:11,058,821, A>G. VCF-style: chr19-11058821-A-G. GRCh37 (hg19) VCF-style: chr19-11169497-A-G.
Other names: c.4567A>G, p.Asn1523Asp (NM_001128844.3); c.4477A>G, p.Asn1493Asp (NM_001128845.2); c.4474A>G, p.Asn1492Asp (NM_001128846.2); c.4468A>G, p.Asn1490Asp (NM_001128847.4, NM_001374457.1); c.4465A>G, p.Asn1489Asp (NM_001128848.2); c.4663A>G, p.Asn1555Asp (NM_001128849.3, NM_001387283.1); c.4564A>G, p.Asn1522Asp (NM_001411150.1); short protein forms N1490D, N1522D, N1489D, N1492D, N1523D, N1555D, N1493D.
Identifiers: ClinVar variation 1742267 (VCV001742267.4), dbSNP rs2147097507, ClinGen allele CA404078813.